The following is an entry in ClinVar:

ClinVar aggregate classification (germline): Benign/Likely benign. Review status: criteria provided, multiple submitters, no conflicts (2 of 4 stars). 3 submissions from 3 submitters: Benign (1); Likely benign (1). 1 of the submissions does not count toward it. Last evaluated 2025-10-03.

Conditions:
PLCE1-related disorder. Also called: PLCE1-related condition.
Nephrotic syndrome, type 3 (NPHS3). Also called: NEPHROTIC SYNDROME, EARLY-ONSET, TYPE 3. Identifiers: Orphanet 656, MedGen C1853124, MONDO:0012546, OMIM 610725.

Allele frequency attached by ClinVar (database versions not stated): gnomAD exomes 0.00025 and 0.00056; ExAC 0.00055; 1000 Genomes Project 30x 0.00125; 1000 Genomes Project 0.00140; gnomAD 0.00192 and 0.00208; TOPMed 0.00200; ESP Exome Variant Server 0.00202.
gnomAD v4.1: 680 of 1,614,066 alleles (0.042%); highest among the groups gnomAD compares: African/African-American, 0.63%; 2 homozygotes.

Submissions (3):

Labcorp Genetics (formerly Invitae), Labcorp
Classification: Benign. Last evaluated: 2025-10-03. Review status: criteria provided, single submitter. Criteria: Invitae Variant Classification Sherloc (09022015). Collection method: clinical testing. Allele origin: germline.

Illumina Laboratory Services, Illumina
Classification: Likely benign for Nephrotic syndrome, type 3. Last evaluated: 2017-04-27. Review status: criteria provided, single submitter. Criteria: ICSL Variant Classification Criteria 13 December 2019. Collection method: clinical testing. Allele origin: germline.
Comment: This variant was observed as part of a predisposition screen in an ostensibly healthy population. A literature search was performed for the gene, cDNA change, and amino acid change (where applicable). No publications were found based on this search. Allele frequency data from public databases allowed determination this variant is unlikely to cause disease. Therefore, this variant is classified as likely benign.

PreventionGenetics, part of Exact Sciences
Classification: Likely benign for PLCE1-related condition. Last evaluated: 2019-09-18. Review status: no assertion criteria provided. Collection method: clinical testing. Allele origin: germline. Not counted in ClinVar's aggregate classification.
Comment: This variant is classified as likely benign based on ACMG/AMP sequence variant interpretation guidelines (Richards et al. 2015 PMID: 25741868, with internal and published modifications).

NM_016341.4(PLCE1):c.2157C>T (p.Gly719=)

Gene: PLCE1 (phospholipase C epsilon 1; plus strand). Cytogenetic location: 10q23.33.
Variant type: single nucleotide variant.
Coding change: c.2157C>T on transcript NM_016341.4 (MANE Select); coding-DNA position 2157, C replaced by T.
Protein change: p.Gly719=; no amino-acid change (glycine 719 retained).
Molecular consequence: synonymous variant.
Genome position (GRCh38, 1-based): chr10:94,234,255, C>T. VCF-style: chr10-94234255-C-T. GRCh37 (hg19) VCF-style: chr10-95994012-C-T.
Other names: c.1233C>T, p.Gly411= (NM_001165979.2); c.2157C>T, p.Gly719= (NM_001288989.2).
Identifiers: ClinVar variation 880503 (VCV000880503.10), dbSNP rs200164874, ClinGen allele CA5612565.